The following is an entry in ClinVar:

ClinVar aggregate classification (germline): Uncertain significance (1 of 4 stars; one submission).

Allele frequency attached by ClinVar (database versions not stated): TOPMed below 0.00001.

Submission:

Labcorp Genetics (formerly Invitae), Labcorp
Classification: Uncertain significance. Last evaluated: 2023-06-09. Review status: criteria provided, single submitter. Criteria: Invitae Variant Classification Sherloc (09022015). Collection method: clinical testing. Allele origin: germline.
Comment: In summary, the available evidence is currently insufficient to determine the role of this variant in disease. Therefore, it has been classified as a Variant of Uncertain Significance. Advanced modeling of protein sequence and biophysical properties (such as structural, functional, and spatial information, amino acid conservation, physicochemical variation, residue mobility, and thermodynamic stability) performed at Invitae indicates that this missense variant is not expected to disrupt SLC7A9 protein function. This variant has not been reported in the literature in individuals affected with SLC7A9-related conditions. This variant is not present in population databases (gnomAD no frequency). This sequence change replaces valine, which is neutral and non-polar, with alanine, which is neutral and non-polar, at codon 62 of the SLC7A9 protein (p.Val62Ala).

NM_014270.5(SLC7A9):c.185T>C (p.Val62Ala)

Gene: SLC7A9 (solute carrier family 7 member 9; minus strand). Cytogenetic location: 19q13.11.
Variant type: single nucleotide variant.
Coding change: c.185T>C on transcript NM_014270.5 (MANE Select); coding-DNA position 185, T replaced by C.
Protein change: p.Val62Ala; replaces valine 62 with alanine.
Molecular consequence: missense variant.
Genome position (GRCh38, 1-based): chr19:32,864,679, A>G on the plus strand (T>C on the coding strand, the complement: SLC7A9 is on the minus strand). VCF-style: chr19-32864679-A-G. GRCh37 (hg19) VCF-style: chr19-33355585-A-G.
Other names: c.185T>C, p.Val62Ala (NM_001126335.2, NM_001243036.2); short protein forms V62A.
Identifiers: ClinVar variation 2782036 (VCV002782036.3), dbSNP rs1968912523, ClinGen allele CA405204377.
Genomic context (GRCh38, chr19:32,864,679, plus strand): 5'-GTCTCTTTACCCAGCGTCGCGAGGACCCCGCAAGCCGCCCATATGATGAGGCAGGGCCCC[A>G]CAGCTTCCGTGTTGCTGAGCACAGACTTGGGGGAAACGAAGATCCCAGAGCCAATGATGG-3'
Protein context (NP_055085.1, residues 52-72): PKSVLSNTEA[Val62Ala]GPCLIIWAAC